The following is an entry in ClinVar:

NM_000059.4(BRCA2):c.9193_9194insA (p.Phe3065fs)

Gene: BRCA2 (BRCA2 DNA repair associated; plus strand). Cytogenetic location: 13q13.1.
Variant type: Insertion.
Coding change: c.9193_9194insA on transcript NM_000059.4 (MANE Select); coding-DNA positions 9193 to 9194, A inserted.
Protein change: p.Phe3065fs; shifts the reading frame from phenylalanine 3065.
Molecular consequence: frameshift variant.
Genome position: GRCh38 VCF-style: chr13-32380082-T-TA. GRCh37 (hg19) VCF-style: chr13-32954219-T-TA.
Other names: short protein forms F3065fs.
Identifiers: ClinVar variation 548348 (VCV000548348.1), dbSNP rs1555288547, ClinGen allele CA658823633.

ClinVar aggregate classification (germline): Pathogenic (3 of 4 stars; one submission).

Conditions:
Breast-ovarian cancer, familial, susceptibility to, 2 (BROVCA2). Also called: BRCA2 Hereditary Breast and Ovarian Cancer. Identifiers: Orphanet 145, MedGen C2675520, MONDO:0012933, OMIM 612555. Disease mechanism: loss of function.

Submission:

Evidence-based Network for the Interpretation of Germline Mutant Alleles (ENIGMA)
Classification: Pathogenic for Breast-ovarian cancer, familial, susceptibility to, 2. Last evaluated: 2017-12-15. Review status: reviewed by expert panel. Criteria: ENIGMA BRCA1/2 Classification Criteria (2017-06-29). Collection method: curation. Allele origin: germline. Study: ENIGMA.
Comment: Variant allele predicted to encode a truncated non-functional protein.